The following is an entry in ClinVar:

ClinVar aggregate classification (germline): Pathogenic. Review status: criteria provided, single submitter (1 of 4 stars). 2 submissions from 2 submitters: Pathogenic (1). 1 of the submissions does not count toward it. Last evaluated 2017-09-01.

Conditions:
Mowat-Wilson syndrome (MOWS). Also called: Classic Mowat-Wilson Syndrome. Identifiers: Orphanet 2152, MedGen C1856113, MONDO:0009341, OMIM 235730.

Submissions (2):

Baylor Genetics
Classification: Pathogenic for Mowat-Wilson syndrome. Last evaluated: 2017-09-01. Review status: criteria provided, single submitter. Criteria: ACMG Guidelines, 2015. Collection method: clinical testing. Allele origin: de novo. Inheritance: Autosomal dominant inheritance. Affected: yes.

Molecular Genetics Laboratory, Children's Mercy Hospital and Clinics
Classification: Pathogenic for Mowat-Wilson syndrome. Last evaluated: 2015-03-02. Review status: no assertion criteria provided. Collection method: clinical testing. Allele origin: unknown. Affected: yes. Not counted in ClinVar's aggregate classification.

Literature cited by the submitters: PubMed 25326635 (cited by Baylor Genetics).

NM_014795.4(ZEB2):c.1653del (p.Ser552fs)

Gene: ZEB2 (zinc finger E-box binding homeobox 2; minus strand). Cytogenetic location: 2q22.3.
Variant type: Deletion.
Coding change: c.1653del on transcript NM_014795.4 (MANE Select); coding-DNA position 1653, one base deleted (C; older notation c.1653delC).
Protein change: p.Ser552fs; shifts the reading frame from serine 552.
Molecular consequence: frameshift variant.
Genome position (GRCh38, 1-based): chr2:144,399,534, G deleted on the plus strand (C on the coding strand, the reverse complement: ZEB2 is on the minus strand). VCF-style (leftmost placement, unchanged base first): chr2-144399533-TG-T. GRCh37 (hg19) VCF-style: chr2-145157100-TG-T.
Other names: Ser552Valfs*3; c.1581del, p.Ser528fs (NM_001171653.2); short protein forms S552fs, S528fs.
Identifiers: ClinVar variation 189287 (VCV000189287.2), dbSNP rs786204820, ClinGen allele CA274529.